The following is an entry in ClinVar:

NM_000340.2(SLC2A2):c.379G>T (p.Ala127Ser)

Gene: SLC2A2 (solute carrier family 2 member 2; minus strand). Cytogenetic location: 3q26.2.
Variant type: single nucleotide variant.
Coding change: c.379G>T on transcript NM_000340.2 (MANE Select); coding-DNA position 379, G replaced by T.
Protein change: p.Ala127Ser; replaces alanine 127 with serine.
Molecular consequence: missense variant. On other transcripts: intron variant (1).
Genome position (GRCh38, 1-based): chr3:171,010,075, C>A on the plus strand (G>T on the coding strand, the complement: SLC2A2 is on the minus strand). VCF-style: chr3-171010075-C-A. GRCh37 (hg19) VCF-style: chr3-170727864-C-A.
Other names: c.22G>T, p.Ala8Ser (NM_001278658.2); c.-23-2812G>T (NM_001278659.2); short protein forms A8S, A127S.
Identifiers: ClinVar variation 654188 (VCV000654188.6), dbSNP rs1576833940, ClinGen allele CA355491775.
Genomic context (GRCh38, chr3:171,010,075, plus strand): 5'-ATTTTGAAAACCCCATCAAGAGAGCTCCAACTAATGACAGAATGTTTGCTACTAACATGG[C>A]TTTGATTCTGAAATTTTAAAAAGCAAGGAATATAAATTCAGCATCAAAACTTGCTAAAAT-3'
Protein context (NP_000331.1, residues 117-137): WLGDTLGRIK[Ala127Ser]MLVANILSLV

ClinVar aggregate classification (germline): Uncertain significance (1 of 4 stars; one submission).

Conditions:
Fanconi-Bickel syndrome (FBS). Also called: HEPATIC GLYCOGENOSIS WITH AMINO ACIDURIA AND GLUCOSURIA; HEPATIC GLYCOGENOSIS WITH FANCONI NEPHROPATHY; HEPATORENAL GLYCOGENOSIS WITH RENAL FANCONI SYNDROME; PSEUDO-PHLORIZIN DIABETES; FANCONI SYNDROME WITH INTESTINAL MALABSORPTION AND GALACTOSE INTOLERANCE; Glycogen storage disease due to GLUT2 deficiency. Identifiers: Orphanet 2088, MedGen C3495427, MONDO:0009216, OMIM 227810.

Allele frequency attached by ClinVar (database versions not stated): gnomAD below 0.00001 and 0.00001; gnomAD exomes below 0.00001.
gnomAD v4.1: 3 of 1,612,448 alleles (0.00019%); highest among the groups gnomAD compares: East Asian, 0.0022%; no homozygotes.

Submission:

Labcorp Genetics (formerly Invitae), Labcorp
Classification: Uncertain significance for Fanconi-Bickel syndrome. Last evaluated: 2021-08-13. Review status: criteria provided, single submitter. Criteria: Invitae Variant Classification Sherloc (09022015). Collection method: clinical testing. Allele origin: germline.
Comment: This sequence change replaces alanine with serine at codon 127 of the SLC2A2 protein (p.Ala127Ser). The alanine residue is moderately conserved and there is a moderate physicochemical difference between alanine and serine. This variant is not present in population databases (ExAC no frequency). This variant has not been reported in the literature in individuals affected with SLC2A2-related conditions. Algorithms developed to predict the effect of missense changes on protein structure and function output the following: SIFT: "Tolerated"; PolyPhen-2: "Benign"; Align-GVGD: "Class C0". The serine amino acid residue is found in multiple mammalian species, which suggests that this missense change does not adversely affect protein function. In summary, the available evidence is currently insufficient to determine the role of this variant in disease. Therefore, it has been classified as a Variant of Uncertain Significance.